The following is an entry in ClinVar:

NM_006118.4(HAX1):c.257G>A (p.Arg86Gln)

Gene: HAX1 (HCLS1 associated protein X-1; plus strand). Cytogenetic location: 1q21.3.
Variant type: single nucleotide variant.
Coding change: c.257G>A on transcript NM_006118.4 (MANE Select); coding-DNA position 257, G replaced by A.
Protein change: p.Arg86Gln; replaces arginine 86 with glutamine.
Molecular consequence: missense variant.
Genome position (GRCh38, 1-based): chr1:154,273,539, G>A. VCF-style: chr1-154273539-G-A. GRCh37 (hg19) VCF-style: chr1-154246015-G-A.
Other names: c.113G>A, p.Arg38Gln (NM_001018837.2); short protein forms R38Q, R86Q.
Identifiers: ClinVar variation 2057684 (VCV002057684.6), dbSNP rs764314442, ClinGen allele CA1127295.

ClinVar aggregate classification (germline): Uncertain significance. Review status: criteria provided, multiple submitters, no conflicts (2 of 4 stars). 3 submissions from 3 submitters: Uncertain significance (3). Last evaluated 2026-04-14.

Conditions:
Inborn genetic diseases. Identifiers: MedGen C0950123, MeSH D030342.
Kostmann syndrome (SCN3). Also called: Autosomal recessive severe congenital neutropenia type 3; KOSTMANN DISEASE. Identifiers: Orphanet 99749, MedGen C5235141, MONDO:0012548, OMIM 610738.

Allele frequency attached by ClinVar (database versions not stated): ExAC 0.00002; gnomAD 0.00002; TOPMed 0.00004; gnomAD exomes 0.00014.
gnomAD v4.1: 196 of 1,614,036 alleles (0.012%); highest among the groups gnomAD compares: Non-Finnish European, 0.016%; 1 homozygote.

Submissions (3):

Women's Health and Genetics/Laboratory Corporation of America, LabCorp
Classification: Uncertain significance. Last evaluated: 2026-04-14. Review status: criteria provided, single submitter. Criteria: LabCorp Variant Classification Summary - May 2015. Collection method: clinical testing. Allele origin: germline.

Ambry Genetics
Classification: Uncertain significance for Inborn genetic diseases. Last evaluated: 2025-08-13. Review status: criteria provided, single submitter. Criteria: Ambry Variant Classification Scheme 2023. Collection method: clinical testing. Allele origin: germline.

Labcorp Genetics (formerly Invitae), Labcorp
Classification: Uncertain significance for Kostmann syndrome. Last evaluated: 2022-07-27. Review status: criteria provided, single submitter. Criteria: Invitae Variant Classification Sherloc (09022015). Collection method: clinical testing. Allele origin: germline.
Comment: This sequence change replaces arginine, which is basic and polar, with glutamine, which is neutral and polar, at codon 86 of the HAX1 protein (p.Arg86Gln). This variant is present in population databases (rs764314442, gnomAD 0.01%), including at least one homozygous and/or hemizygous individual. This variant has not been reported in the literature in individuals affected with HAX1-related conditions. Algorithms developed to predict the effect of missense changes on protein structure and function output the following: SIFT: "Tolerated"; PolyPhen-2: "Benign"; Align-GVGD: "Class C0". The glutamine amino acid residue is found in multiple mammalian species, which suggests that this missense change does not adversely affect protein function. Algorithms developed to predict the effect of sequence changes on RNA splicing suggest that this variant may disrupt the consensus splice site. In summary, the available evidence is currently insufficient to determine the role of this variant in disease. Therefore, it has been classified as a Variant of Uncertain Significance.